The following is an entry in ClinVar:

ClinVar aggregate classification (germline): Uncertain significance (1 of 4 stars; one submission).

Conditions:
Arrhythmogenic right ventricular dysplasia 5. Also called: Arrhythmogenic Right Ventricular Dysplasia/Cardiomyopathy 5; ARRHYTHMOGENIC RIGHT VENTRICULAR DYSPLASIA, FAMILIAL, 5. Identifiers: MedGen C1858379, MONDO:0011459, OMIM 604400.

Allele frequency attached by ClinVar (database versions not stated): gnomAD exomes below 0.00001.

Submission:

All of Us Research Program, National Institutes of Health
Classification: Uncertain significance for Arrhythmogenic right ventricular dysplasia 5. Last evaluated: 2023-12-13. Review status: criteria provided, single submitter. Criteria: ACMG Guidelines, 2015. Collection method: clinical testing. Allele origin: germline. Inheritance: Autosomal dominant inheritance. Observed: 1 variant allele, 1 heterozygote.
Comment: This variant alters the translation initiation codon of the TMEM43 mRNA. This variant is expected to disrupt translation initiation and result in an absent or truncated protein product. To our knowledge, functional studies have not been reported for this variant. This variant has not been reported in individuals affected with TMEM43-related disorders in the literature. This variant has not been identified in the general population by the Genome Aggregation Database (gnomAD). The role of TMEM43 truncations and other loss-of-function variants in cardiovascular disorders is not yet fully understood. The available evidence is insufficient to determine the role of this variant in disease conclusively. Therefore, this variant is classified as a Variant of Uncertain Significance.

This study involves interpretation of variants in research participants for the purpose of population health screening. Participant phenotype was not available at the time of variant classification. Additional details can be found in publication PMID: 35346344, PMCID: PMC8962531

NM_024334.3(TMEM43):c.3G>A (p.Met1Ile)

Gene: TMEM43 (transmembrane protein 43; plus strand). Cytogenetic location: 3p25.1.
Variant type: single nucleotide variant.
Coding change: c.3G>A on transcript NM_024334.3 (MANE Select); coding-DNA position 3, G replaced by A.
Protein change: p.Met1Ile; changes the start codon (methionine 1).
Molecular consequence: missense variant, initiator codon variant.
Genome position (GRCh38, 1-based): chr3:14,125,196, G>A. VCF-style: chr3-14125196-G-A. GRCh37 (hg19) VCF-style: chr3-14166696-G-A.
Other names: c.3G>A, p.Met1Ile (NM_001407274.1, NM_001407275.1, NM_001407276.1 and 4 more transcripts); short protein forms M1I.
Identifiers: ClinVar variation 3074928 (VCV003074928.1), dbSNP rs2470170017, ClinGen allele CA351533959.